The following is an entry in ClinVar:

NM_014862.4(ARNT2):c.1204C>T (p.Arg402Ter)

Gene: ARNT2 (aryl hydrocarbon receptor nuclear translocator 2; plus strand). Cytogenetic location: 15q25.1.
Variant type: single nucleotide variant.
Coding change: c.1204C>T on transcript NM_014862.4 (MANE Select); coding-DNA position 1204, C replaced by T.
Protein change: p.Arg402Ter; replaces arginine 402 with a stop codon.
Molecular consequence: nonsense.
Genome position (GRCh38, 1-based): chr15:80,563,127, C>T. VCF-style: chr15-80563127-C-T. GRCh37 (hg19) VCF-style: chr15-80855468-C-T.
Other names: short protein forms R402*.
Identifiers: ClinVar variation 4777072 (VCV004777072.1).
Genomic context (GRCh38, chr15:80,563,127, plus strand): 5'-CTTCTCCAAATGTTTTCTCAGGTGGTTAAGCTGAAAGGCCAAGTCCTGTCGGTCATGTAT[C>T]GATTTCGCACCAAGAACCGGGAGTGGATGTTGATCCGCACCAGCAGCTTCACATTCCAGA-3'

ClinVar aggregate classification (germline): Pathogenic (1 of 4 stars; one submission).

gnomAD v4.1: 1 of 1,614,178 alleles (0.000062%); no homozygotes.

Submission:

Labcorp Genetics (formerly Invitae), Labcorp
Classification: Pathogenic. Last evaluated: 2025-10-21. Review status: criteria provided, single submitter. Criteria: Invitae Variant Classification Sherloc (09022015). Collection method: clinical testing. Allele origin: germline.
Comment: This sequence change creates a premature translational stop signal (p.Arg402*) in the ARNT2 gene. It is expected to result in an absent or disrupted protein product. Loss-of-function variants in ARNT2 are known to be pathogenic (PMID: 24022475). This variant is not present in population databases (gnomAD no frequency). This variant has not been reported in the literature in individuals affected with ARNT2-related conditions. For these reasons, this variant has been classified as Pathogenic.

Literature cited by the submitters: PubMed 24022475.